The following is an entry in ClinVar:

NM_007294.4(BRCA1):c.302-10T>C

Gene: BRCA1 (BRCA1 DNA repair associated; minus strand). Cytogenetic location: 17q21.31.
Variant type: single nucleotide variant.
Coding change: c.302-10T>C on transcript NM_007294.4 (MANE Select); 10 bases into the intron before coding-DNA position 302, T replaced by C.
Molecular consequence: intron variant.
Genome position (GRCh38, 1-based): chr17:43,104,271, A>G on the plus strand (T>C on the coding strand, the complement: BRCA1 is on the minus strand). VCF-style: chr17-43104271-A-G. GRCh37 (hg19) VCF-style: chr17-41256288-A-G.
Other names: c.224-10T>C (NM_001407657.1, NM_001407654.1, NM_001408414.1 and 21 more transcripts); c.92-10T>C (NM_001407895.1, NM_001407853.1, NM_001407884.1 and 58 more transcripts); c.161-10T>C (NM_001407752.1, NM_001407734.1, NM_001407730.1 and 99 more transcripts); c.302-10T>C (NM_001407596.1, NM_001407973.1, NM_001407675.1 and 164 more transcripts); c.-80-10T>C (NM_001407965.1, NM_001407959.1, NM_001407962.1 and 4 more transcripts); c.-218-9411T>C (NM_001407967.1, NM_001407966.1); c.170-10T>C (NM_001408451.1); c.293-10T>C (NM_001407646.1, NM_001408408.1, NM_001407647.1).
Identifiers: ClinVar variation 386408 (VCV000386408.12), dbSNP rs747733248, ClinGen allele CA16608462.

ClinVar aggregate classification (germline): Likely benign. Review status: criteria provided, multiple submitters, no conflicts (2 of 4 stars). 3 submissions from 3 submitters: Likely benign (3). Last evaluated 2023-06-28.

Conditions:
Hereditary cancer-predisposing syndrome. Also called: Hereditary Cancer Syndrome; Hereditary neoplastic syndrome; Neoplastic Syndromes, Hereditary; Tumor predisposition. Identifiers: Orphanet 140162, MedGen C0027672, MeSH D009386, MONDO:0015356.
Hereditary breast ovarian cancer syndrome. Also called: Hereditary breast and ovarian cancer syndrome; Hereditary breast and ovarian cancer; Breast and ovarian cancer; BRCA1- and BRCA2-Associated Hereditary Breast and Ovarian Cancer; Hereditary breast and/or ovarian cancer syndrome; Hereditary breast and ovarian cancer syndrome (HBOC). Identifiers: Orphanet 145, MedGen C0677776, MeSH D061325, MONDO:0003582. Disease mechanism: loss of function.

gnomAD v4.1: 1 of 1,607,772 alleles (0.000062%); highest among the groups gnomAD compares: Non-Finnish European, 0.000085%; no homozygotes.

Submissions (3):

Labcorp Genetics (formerly Invitae), Labcorp
Classification: Likely benign for Hereditary breast ovarian cancer syndrome. Last evaluated: 2023-06-28. Review status: criteria provided, single submitter. Criteria: Invitae Variant Classification Sherloc (09022015). Collection method: clinical testing. Allele origin: germline.

Color Diagnostics, LLC DBA Color Health
Classification: Likely benign for Hereditary cancer-predisposing syndrome. Last evaluated: 2016-11-28. Review status: criteria provided, single submitter. Criteria: ACMG Guidelines, 2015. Collection method: clinical testing. Allele origin: germline.

GeneDx
Classification: Likely benign. Last evaluated: 2016-05-18. Review status: criteria provided, single submitter. Criteria: GeneDx Variant Classification (06012015). Collection method: clinical testing. Allele origin: germline. Affected: yes.
Comment: This variant is considered likely benign or benign based on one or more of the following criteria: it is a conservative change, it occurs at a poorly conserved position in the protein, it is predicted to be benign by multiple in silico algorithms, and/or has population frequency not consistent with disease.